The following is an entry in ClinVar:

ClinVar aggregate classification (germline): Likely benign. Review status: criteria provided, single submitter (1 of 4 stars). 2 submissions from 2 submitters: Likely benign (1). 1 of the submissions does not count toward it. Last evaluated 2025-05-14.

Conditions:
CFAP298-related disorder. Also called: CFAP298-related condition.

Allele frequency attached by ClinVar (database versions not stated): ExAC 0.00002; gnomAD exomes 0.00002; gnomAD 0.00003; TOPMed 0.00003; ESP Exome Variant Server 0.00008.
gnomAD v4.1: 40 of 1,613,896 alleles (0.0025%); highest among the groups gnomAD compares: Middle Eastern, 0.016%; no homozygotes.

Submissions (2):

Labcorp Genetics (formerly Invitae), Labcorp
Classification: Likely benign. Last evaluated: 2025-05-14. Review status: criteria provided, single submitter. Criteria: Invitae Variant Classification Sherloc (09022015). Collection method: clinical testing. Allele origin: germline.

PreventionGenetics, part of Exact Sciences
Classification: Likely benign for CFAP298-related condition. Last evaluated: 2019-12-03. Review status: no assertion criteria provided. Collection method: clinical testing. Allele origin: germline. Not counted in ClinVar's aggregate classification.
Comment: This variant is classified as likely benign based on ACMG/AMP sequence variant interpretation guidelines (Richards et al. 2015 PMID: 25741868, with internal and published modifications).

NM_021254.4(CFAP298):c.258C>T (p.Ser86=)

Genes: CFAP298 (cilia and flagella associated protein 298; minus strand), CFAP298-TCP10L (CFAP298-TCP10L readthrough; minus strand). Cytogenetic location: 21q22.11.
Variant type: single nucleotide variant.
Coding change: c.258C>T on transcript NM_021254.4 (MANE Select); coding-DNA position 258, C replaced by T.
Protein change: p.Ser86=; no amino-acid change (serine 86 retained).
Molecular consequence: synonymous variant. On other transcripts: non-coding transcript variant (2), missense variant (1).
Genome position (GRCh38, 1-based): chr21:32,609,887, G>A on the plus strand (C>T on the coding strand, the complement: CFAP298 is on the minus strand). VCF-style: chr21-32609887-G-A. GRCh37 (hg19) VCF-style: chr21-33982197-G-A.
Other names: c.258C>T, p.Ser86= (NM_001350338.2, NM_001350335.2, NM_001350336.2 and 1 more transcripts); c.29C>T, p.Ala10Val (NM_001350334.2); short protein forms A10V.
Identifiers: ClinVar variation 1950566 (VCV001950566.7), dbSNP rs375347058, ClinGen allele CA10002934.